The following is an entry in ClinVar:

ClinVar aggregate classification (germline): Uncertain significance (1 of 4 stars; one submission).

Conditions:
TTN-related disorder. Also called: TTN-related condition; TTN-related disease; TTN-related disorders.

Submission:

PreventionGenetics, part of Exact Sciences
Classification: Uncertain significance for TTN-related condition. Last evaluated: 2023-09-10. Review status: criteria provided, single submitter. Criteria: ACMG Guidelines, 2015. Collection method: clinical testing. Allele origin: germline.
Comment: The TTN c.105240G>C variant is predicted to result in the amino acid substitution p.Arg35080Ser. To our knowledge, this variant has not been reported in the literature or in a large population database, indicating this variant is rare. At this time, the clinical significance of this variant is uncertain due to the absence of conclusive functional and genetic evidence.

NM_001267550.2(TTN):c.105240G>C (p.Arg35080Ser)

Genes: TTN (titin; minus strand), TTN-AS1 (TTN antisense RNA 1; plus strand). Cytogenetic location: 2q31.2.
Variant type: single nucleotide variant.
Coding change: c.105240G>C on transcript NM_001267550.2 (MANE Select); coding-DNA position 105240, G replaced by C.
Protein change: p.Arg35080Ser; replaces arginine 35080 with serine.
Molecular consequence: missense variant.
Genome position (GRCh38, 1-based): chr2:178,531,375, C>G on the plus strand (G>C on the coding strand, the complement: TTN is on the minus strand). VCF-style: chr2-178531375-C-G. GRCh37 (hg19) VCF-style: chr2-179396102-C-G.
Other names: c.100317G>C, p.Arg33439Ser (NM_001256850.1); c.78045G>C, p.Arg26015Ser (NM_003319.4); c.97536G>C, p.Arg32512Ser (NM_133378.4); c.78420G>C, p.Arg26140Ser (NM_133432.3); c.78621G>C, p.Arg26207Ser (NM_133437.4); short protein forms R26015S, R26140S, R26207S, R32512S, R33439S, R35080S.
Identifiers: ClinVar variation 2630818 (VCV002630818.1), dbSNP rs2468407104, ClinGen allele CA349409196.